The following is an entry in ClinVar:

NM_000213.5(ITGB4):c.4965C>T (p.Asp1655=)

Genes: GALK1 (galactokinase 1; minus strand), ITGB4 (integrin subunit beta 4; plus strand). Cytogenetic location: 17q25.1.
Variant type: single nucleotide variant.
Coding change: c.4965C>T on transcript NM_000213.5 (MANE Select); coding-DNA position 4965, C replaced by T.
Protein change: p.Asp1655=; no amino-acid change (aspartic acid 1655 retained).
Molecular consequence: synonymous variant. On other transcripts: intron variant (1).
Genome position (GRCh38, 1-based): chr17:75,756,771, C>T. VCF-style: chr17-75756771-C-T. GRCh37 (hg19) VCF-style: chr17-73752852-C-T.
Other names: c.4914C>T, p.Asp1638= (NM_001005619.2); c.4755C>T, p.Asp1585= (NM_001005731.3, NM_001321123.2); c.4605C>T, p.Asp1535= (NM_001438834.1); c.*22+1263G>A (NM_001381985.1).
Identifiers: ClinVar variation 752747 (VCV000752747.7), dbSNP rs375771696, ClinGen allele CA8770385.

ClinVar aggregate classification (germline): Likely benign. Review status: criteria provided, single submitter (1 of 4 stars). 2 submissions from 2 submitters: Likely benign (1). 1 of the submissions does not count toward it. Last evaluated 2025-06-29.

Conditions:
ITGB4-related disorder. Also called: ITGB4-related condition.

Allele frequency attached by ClinVar (database versions not stated): ExAC 0.00002; ESP Exome Variant Server 0.00008; 1000 Genomes Project 0.00020; TOPMed 0.00001; 1000 Genomes Project 30x 0.00031.

Submissions (2):

Labcorp Genetics (formerly Invitae), Labcorp
Classification: Likely benign. Last evaluated: 2025-06-29. Review status: criteria provided, single submitter. Criteria: Invitae Variant Classification Sherloc (09022015). Collection method: clinical testing. Allele origin: germline.

PreventionGenetics, part of Exact Sciences
Classification: Likely benign for ITGB4-related condition. Last evaluated: 2024-02-20. Review status: no assertion criteria provided. Collection method: clinical testing. Allele origin: germline. Not counted in ClinVar's aggregate classification.
Comment: This variant is classified as likely benign based on ACMG/AMP sequence variant interpretation guidelines (Richards et al. 2015 PMID: 25741868, with internal and published modifications).